The following is an entry in ClinVar:

ClinVar aggregate classification (germline): Uncertain significance. Review status: criteria provided, multiple submitters, no conflicts (2 of 4 stars). 2 submissions from 2 submitters: Uncertain significance (2). Last evaluated 2025-08-23.

Conditions:
Inborn genetic diseases. Identifiers: MedGen C0950123, MeSH D030342.

Allele frequency attached by ClinVar (database versions not stated): TOPMed below 0.00001; ExAC 0.00001; gnomAD exomes below 0.00001.
gnomAD v4.1: 2 of 1,614,222 alleles (0.00012%); highest among the groups gnomAD compares: Admixed American, 0.0033%; no homozygotes.

Submissions (2):

Dasa
Classification: Uncertain significance. Last evaluated: 2025-08-23. Review status: criteria provided, single submitter. Criteria: DASA Assertion Criteria. Collection method: clinical testing. Allele origin: germline.
Comment: NM_022455.5(NSD1):c.7643T>C (p.Leu2548Ser) is a missense variant that results in the substitution of leucine with serine. This variant is rare in population databases. The currently available literature and clinical evidence are not sufficient to establish a definitive association between this variant and the reported condition. Therefore, this variant is classified as a variant of uncertain significance.

Ambry Genetics
Classification: Uncertain significance for Inborn genetic diseases. Last evaluated: 2018-12-21. Review status: criteria provided, single submitter. Criteria: Ambry Variant Classification Scheme 2023. Collection method: clinical testing. Allele origin: germline.
Comment: The p.L2548S variant (also known as c.7643T>C), located in coding exon 22 of the NSD1 gene, results from a T to C substitution at nucleotide position 7643. The leucine at codon 2548 is replaced by serine, an amino acid with dissimilar properties. This amino acid position is well conserved in available vertebrate species. In addition, the in silico prediction for this alteration is inconclusive. Since supporting evidence is limited at this time, the clinical significance of this alteration remains unclear.

NM_022455.5(NSD1):c.7643T>C (p.Leu2548Ser)

Gene: NSD1 (nuclear receptor binding SET domain protein 1; plus strand). Cytogenetic location: 5q35.3.
Variant type: single nucleotide variant.
Coding change: c.7643T>C on transcript NM_022455.5 (MANE Select); coding-DNA position 7643, T replaced by C.
Protein change: p.Leu2548Ser; replaces leucine 2548 with serine.
Molecular consequence: missense variant.
Genome position (GRCh38, 1-based): chr5:177,295,011, T>C. VCF-style: chr5-177295011-T-C. GRCh37 (hg19) VCF-style: chr5-176722012-T-C.
Other names: c.6770T>C, p.Leu2257Ser (NM_001365684.2, NM_001409308.1, NM_172349.5); c.7643T>C, p.Leu2548Ser (NM_001409301.1, NM_001409302.1, NM_001409303.1); c.7223T>C, p.Leu2408Ser (NM_001409304.1); c.6890T>C, p.Leu2297Ser (NM_001409305.1); c.6881T>C, p.Leu2294Ser (NM_001409306.1, NM_001409307.1); c.6521T>C, p.Leu2174Ser (NM_001409309.1); short protein forms L2297S, L2257S, L2548S, L2174S, L2294S, L2279S, L2408S.
Identifiers: ClinVar variation 1759951 (VCV001759951.4), dbSNP rs751370850, ClinGen allele CA3578158.
Genomic context (GRCh38, chr5:177,295,011, plus strand): 5'-AAGCTGTTAAATCACTCACCCAGGCCAGACTTCTTTCTCAGCCTCCTGCCAAGGCCTTTT[T>C]ATATGAGCCAACAACTCAGGCCTCAGGAAGAGCTTCTGCAGGGGCTGAGCAGACCCCAGG-3'
Protein context (NP_071900.2, residues 2538-2558): LLSQPPAKAF[Leu2548Ser]YEPTTQASGR